The following is an entry in ClinVar:

ClinVar aggregate classification (germline): Uncertain significance (1 of 4 stars; one submission).

Submission:

GeneDx
Classification: Uncertain significance. Last evaluated: 2019-11-02. Review status: criteria provided, single submitter. Criteria: GeneDx Variant Classification Process June 2021. Collection method: clinical testing. Allele origin: germline. Affected: yes.
Comment: Not observed in large population cohorts (Lek et al., 2016); In silico analysis, which includes protein predictors and evolutionary conservation, supports a deleterious effect; Has not been previously published as pathogenic or benign to our knowledge

NM_020964.3(EPG5):c.6011T>C (p.Phe2004Ser)

Gene: EPG5 (ectopic P-granules 5 autophagy tethering factor; minus strand). Cytogenetic location: 18q12.3.
Variant type: single nucleotide variant.
Coding change: c.6011T>C on transcript NM_020964.3 (MANE Select); coding-DNA position 6011, T replaced by C.
Protein change: p.Phe2004Ser; replaces phenylalanine 2004 with serine.
Molecular consequence: missense variant.
Genome position (GRCh38, 1-based): chr18:45,876,274, A>G on the plus strand (T>C on the coding strand, the complement: EPG5 is on the minus strand). VCF-style: chr18-45876274-A-G. GRCh37 (hg19) VCF-style: chr18-43456239-A-G.
Other names: short protein forms F2004S.
Identifiers: ClinVar variation 1187521 (VCV001187521.2), dbSNP rs2145364498, ClinGen allele CA402341485.